The following is an entry in ClinVar:

ClinVar aggregate classification (germline): Uncertain significance (1 of 4 stars; one submission).

Conditions:
Familial hypocalciuric hypercalcemia (FHH). Also called: Familial benign hypercalcemia. Identifiers: Orphanet 405, MedGen C1809471, MONDO:0018458.
Autosomal dominant hypocalcemia 1 (HYPOC1). Also called: HYPOCALCEMIA, FAMILIAL. Identifiers: MedGen C3715128, MONDO:0011013, OMIM 601198.

Submission:

Labcorp Genetics (formerly Invitae), Labcorp
Classification: Uncertain significance for Familial hypocalciuric hypercalcemia; Autosomal dominant hypocalcemia 1. Last evaluated: 2022-08-12. Review status: criteria provided, single submitter. Criteria: Invitae Variant Classification Sherloc (09022015). Collection method: clinical testing. Allele origin: germline.
Comment: In summary, the available evidence is currently insufficient to determine the role of this variant in disease. Therefore, it has been classified as a Variant of Uncertain Significance. Algorithms developed to predict the effect of missense changes on protein structure and function are either unavailable or do not agree on the potential impact of this missense change (SIFT: "Not Available"; PolyPhen-2: "Possibly Damaging"; Align-GVGD: "Not Available"). This variant has not been reported in the literature in individuals affected with CASR-related conditions. Information on the frequency of this variant in the gnomAD database is not available, as this variant may be reported differently in the database. This sequence change replaces asparagine, which is neutral and polar, with isoleucine, which is neutral and non-polar, at codon 189 of the CASR protein (p.Asn189Ile).

NM_000388.4(CASR):c.566_567delinsTC (p.Asn189Ile)

Gene: CASR (calcium sensing receptor; plus strand). Cytogenetic location: 3q21.1.
Variant type: Indel.
Coding change: c.566_567delinsTC on transcript NM_000388.4 (MANE Select); coding-DNA positions 566 to 567, AT replaced by TC.
Protein change: p.Asn189Ile; replaces asparagine 189 with isoleucine.
Molecular consequence: missense variant.
Genome position (GRCh38, 1-based): chr3:122,261,601-122,261,602, AT replaced by TC. VCF-style: chr3-122261601-AT-TC. GRCh37 (hg19) VCF-style: chr3-121980448-AT-TC.
Other names: c.566_567delinsTC, p.Asn189Ile (NM_001178065.2); short protein forms N189I.
Identifiers: ClinVar variation 1716235 (VCV001716235.6), dbSNP rs2473225350, ClinGen allele CA2580068626.